The following is an entry in ClinVar:

NM_005228.5(EGFR):c.2039G>A (p.Arg680Gln)

Gene: EGFR (epidermal growth factor receptor; plus strand). Cytogenetic location: 7p11.2.
Variant type: single nucleotide variant.
Coding change: c.2039G>A on transcript NM_005228.5 (MANE Select); coding-DNA position 2039, G replaced by A.
Protein change: p.Arg680Gln; replaces arginine 680 with glutamine.
Molecular consequence: missense variant.
Genome position (GRCh38, 1-based): chr7:55,173,102, G>A. VCF-style: chr7-55173102-G-A. GRCh37 (hg19) VCF-style: chr7-55240795-G-A.
Other names: c.1904G>A, p.Arg635Gln (NM_001346897.2, NM_001346899.2); c.2039G>A, p.Arg680Gln (NM_001346898.2); c.1880G>A, p.Arg627Gln (NM_001346900.2); c.1238G>A, p.Arg413Gln (NM_001346941.2); short protein forms R635Q, R680Q, R627Q, R413Q.
Identifiers: ClinVar variation 857090 (VCV000857090.8), dbSNP rs373336251, ClinGen allele CA4265949.
Genomic context (GRCh38, chr7:55,173,102, plus strand): 5'-TGGCCCTGGGGATCGGCCTCTTCATGCGAAGGCGCCACATCGTTCGGAAGCGCACGCTGC[G>A]GAGGCTGCTGCAGGAGAGGGAGGTGAGTGCCAGTCCTGGGTGGGCTCAGGAGCCCTCGCA-3'
Protein context (NP_005219.2, residues 670-690): RRHIVRKRTL[Arg680Gln]RLLQERELVE

ClinVar aggregate classification (germline): Uncertain significance. Review status: criteria provided, multiple submitters, no conflicts (2 of 4 stars). 2 submissions from 2 submitters: Uncertain significance (2). Last evaluated 2026-01-13.

Conditions:
Hereditary cancer-predisposing syndrome. Also called: Tumor predisposition; Hereditary neoplastic syndrome; Neoplastic Syndromes, Hereditary; Hereditary Cancer Syndrome. Identifiers: Orphanet 140162, MedGen C0027672, MeSH D009386, MONDO:0015356.
EGFR-related lung cancer (EGFR). Identifiers: MedGen CN130014.

Allele frequency attached by ClinVar (database versions not stated): TOPMed 0.00003; gnomAD 0.00007 and 0.00008; ESP Exome Variant Server 0.00008; gnomAD exomes 0.00008; ExAC 0.00012.
gnomAD v4.1: 79 of 1,611,588 alleles (0.0049%); highest among the groups gnomAD compares: African/African-American, 0.0067%; no homozygotes.

Submissions (2):

Labcorp Genetics (formerly Invitae), Labcorp
Classification: Uncertain significance for EGFR-related lung cancer. Last evaluated: 2026-01-13. Review status: criteria provided, single submitter. Criteria: Invitae Variant Classification Sherloc (09022015). Collection method: clinical testing. Allele origin: germline.
Comment: This sequence change replaces arginine, which is basic and polar, with glutamine, which is neutral and polar, at codon 680 of the EGFR protein (p.Arg680Gln). This variant is present in population databases (rs373336251, gnomAD 0.04%). This variant has not been reported in the literature in individuals affected with EGFR-related conditions. ClinVar contains an entry for this variant (Variation ID: 857090). Invitae Evidence Modeling of protein sequence and biophysical properties (such as structural, functional, and spatial information, amino acid conservation, physicochemical variation, residue mobility, and thermodynamic stability) indicates that this missense variant is expected to disrupt EGFR protein function with a positive predictive value of 80%. In summary, the available evidence is currently insufficient to determine the role of this variant in disease. Therefore, it has been classified as a Variant of Uncertain Significance.

Ambry Genetics
Classification: Uncertain significance for Hereditary cancer-predisposing syndrome. Last evaluated: 2024-12-06. Review status: criteria provided, single submitter. Criteria: Ambry Variant Classification Scheme 2023. Collection method: clinical testing. Allele origin: germline.
Comment: The p.R680Q variant (also known as c.2039G>A), located in coding exon 17 of the EGFR gene, results from a G to A substitution at nucleotide position 2039. The arginine at codon 680 is replaced by glutamine, an amino acid with highly similar properties. This amino acid position is highly conserved in available vertebrate species. In addition, the in silico prediction for this alteration is inconclusive. Based on the available evidence, the clinical significance of this variant remains unclear.